The following is an entry in ClinVar:

ClinVar aggregate classification (germline): Benign (0 of 4 stars; one submission).

Conditions:
LRIG2-related disorder. Also called: LRIG2-related condition.

Allele frequency attached by ClinVar (database versions not stated): gnomAD 0.00060; TOPMed 0.00065; ExAC 0.00084; ESP Exome Variant Server 0.00092.
gnomAD v4.1: 813 of 1,613,936 alleles (0.05%); highest among the groups gnomAD compares: Middle Eastern, 0.066%; 8 homozygotes.

Submission:

PreventionGenetics, part of Exact Sciences
Classification: Benign for LRIG2-related condition. Last evaluated: 2020-06-03. Review status: no assertion criteria provided. Collection method: clinical testing. Allele origin: germline.
Comment: This variant is classified as benign based on ACMG/AMP sequence variant interpretation guidelines (Richards et al. 2015 PMID: 25741868, with internal and published modifications).

NM_014813.3(LRIG2):c.2294C>T (p.Thr765Ile)

Gene: LRIG2 (leucine rich repeats and immunoglobulin like domains 2; plus strand). Cytogenetic location: 1p13.2.
Variant type: single nucleotide variant.
Coding change: c.2294C>T on transcript NM_014813.3 (MANE Select); coding-DNA position 2294, C replaced by T.
Protein change: p.Thr765Ile; replaces threonine 765 with isoleucine.
Molecular consequence: missense variant.
Genome position (GRCh38, 1-based): chr1:113,114,640, C>T. VCF-style: chr1-113114640-C-T. GRCh37 (hg19) VCF-style: chr1-113657262-C-T.
Other names: c.1985C>T, p.Thr662Ile (NM_001312686.2); short protein forms T662I, T765I.
Identifiers: ClinVar variation 3057374 (VCV003057374.2), dbSNP rs138690364, ClinGen allele CA1012204.